The following is an entry in ClinVar:

NM_172362.3(KCNH1):c.2486G>A (p.Gly829Asp)

Gene: KCNH1 (potassium voltage-gated channel subfamily H member 1; minus strand). Cytogenetic location: 1q32.2.
Variant type: single nucleotide variant.
Coding change: c.2486G>A on transcript NM_172362.3 (MANE Select); coding-DNA position 2486, G replaced by A.
Protein change: p.Gly829Asp; replaces glycine 829 with aspartic acid.
Molecular consequence: missense variant.
Genome position (GRCh38, 1-based): chr1:210,683,765, C>T on the plus strand (G>A on the coding strand, the complement: KCNH1 is on the minus strand). VCF-style: chr1-210683765-C-T. GRCh37 (hg19) VCF-style: chr1-210857107-C-T.
Other names: p.Gly829Asp; c.2405G>A, p.Gly802Asp (NM_002238.4); short protein forms G802D, G829D.
Identifiers: ClinVar variation 1304074 (VCV001304074.8), dbSNP rs759201321, ClinGen allele CA1379646.
Genomic context (GRCh38, chr1:210,683,765, plus strand): 5'-TCCTCACTCTTCCCGCAAGCATCTTTGAAGCGGGCCCAGCTTTTGCGCTTGGCACAATCG[C>T]CCCCGCCCCCCTTGGGGCCCAGGCACTCGGACCCTGGCGCCTGTAGCTTTGCGTGGTCTG-3'
Protein context (NP_758872.1, residues 819-839): SECLGPKGGG[Gly829Asp]DCAKRKSWAR

ClinVar aggregate classification (germline): Conflicting classifications of pathogenicity. Review status: criteria provided, conflicting classifications (1 of 4 stars). 3 submissions from 3 submitters: Uncertain significance (1); Benign (1); Likely benign (1). Last evaluated 2025-04-09.

Allele frequency attached by ClinVar (database versions not stated): TOPMed 0.00001; gnomAD exomes below 0.00001; ExAC 0.00001.

Submissions (3):

Labcorp Genetics (formerly Invitae), Labcorp
Classification: Benign. Last evaluated: 2025-04-09. Review status: criteria provided, single submitter. Criteria: Invitae Variant Classification Sherloc (09022015). Collection method: clinical testing. Allele origin: germline.

GeneDx
Classification: Likely benign. Last evaluated: 2025-03-27. Review status: criteria provided, single submitter. Criteria: GeneDx Variant Classification Process June 2021. Collection method: clinical testing. Allele origin: germline. Affected: yes.
Comment: See Variant Classification Assertion Criteria.

Mayo Clinic Laboratories, Mayo Clinic
Classification: Uncertain significance. Last evaluated: 2025-01-29. Review status: criteria provided, single submitter. Criteria: ACMG Guidelines, 2015. Collection method: clinical testing. Allele origin: germline. Observed: 1 variant allele.